The following is an entry in ClinVar:

NM_000260.4(MYO7A):c.4978G>A (p.Gly1660Arg)

Gene: MYO7A (myosin VIIA; plus strand). Cytogenetic location: 11q13.5.
Variant type: single nucleotide variant.
Coding change: c.4978G>A on transcript NM_000260.4 (MANE Select); coding-DNA position 4978, G replaced by A.
Protein change: p.Gly1660Arg; replaces glycine 1660 with arginine.
Molecular consequence: missense variant.
Genome position (GRCh38, 1-based): chr11:77,201,573, G>A. VCF-style: chr11-77201573-G-A. GRCh37 (hg19) VCF-style: chr11-76912618-G-A.
Other names: c.4864G>A, p.Gly1622Arg (NM_001127180.2); c.4831G>A, p.Gly1611Arg (NM_001369365.1); short protein forms G1660R, G1622R, G1611R.
Identifiers: ClinVar variation 505264 (VCV000505264.11), dbSNP rs771889662, ClinGen allele CA6198583.

ClinVar aggregate classification (germline): Uncertain significance. Review status: criteria provided, multiple submitters, no conflicts (2 of 4 stars). 5 submissions from 5 submitters: Uncertain significance (3). 2 of the submissions do not count toward it. Last evaluated 2025-09-02.

Conditions:
Usher syndrome type 1 (USH1). Also called: RETINITIS PIGMENTOSA AND CONGENITAL DEAFNESS. Identifiers: Orphanet 231169, Orphanet 886, MedGen C1568247, MONDO:0010168, OMIM 276900.
Retinal dystrophy. Also called: Inherited retinal dystrophy. Identifiers: Orphanet 71862, MedGen C0854723, MeSH D058499, MONDO:0019118, HP:0000556.
Usher syndrome type 1B (USH1B). Also called: Usher syndrome type IB. Identifiers: MedGen C1848638, MONDO:0700087.

Allele frequency attached by ClinVar (database versions not stated): gnomAD exomes below 0.00001 and 0.00001; ExAC 0.00001; gnomAD 0.00001.
gnomAD v4.1: 2 of 1,613,788 alleles (0.00012%); highest among the groups gnomAD compares: East Asian, 0.0045%; no homozygotes.

Submissions (5):

Myriad Genetics, Inc.
Classification: Uncertain significance for Usher syndrome type 1. Last evaluated: 2025-09-02. Review status: criteria provided, single submitter. Criteria: Myriad Autosomal Dominant, Autosomal Recessive and X-Linked Classification Criteria (2023). Collection method: clinical testing. Allele origin: unknown.
Comment: NM_000260.3(MYO7A):c.4978G>A(G1660R) is a missense variant classified as a variant of uncertain significance in the context of MYO7A-related disorders. G1660R has been observed in a case with relevant disease (PMID: 39462066). Relevant functional assessments of this variant are not available in the literature. G1660R has been observed in referenced population frequency databases. In summary, there is insufficient evidence to classify NM_000260.3(MYO7A):c.4978G>A(G1660R) as pathogenic or benign. Please note: this variant was assessed in the context of healthy population screening.

GeneDx
Classification: Uncertain significance. Last evaluated: 2019-09-26. Review status: criteria provided, single submitter. Criteria: GeneDx Variant Classification Process June 2021. Collection method: clinical testing. Allele origin: germline. Affected: yes.
Comment: Not observed at a significant frequency in large population cohorts (Lek et al., 2016); In silico analysis, which includes protein predictors and evolutionary conservation, supports a deleterious effect; Has not been previously published as pathogenic or benign to our knowledge

Laboratory for Molecular Medicine, Mass General Brigham Personalized Medicine
Classification: Uncertain significance. Last evaluated: 2016-09-01. Review status: criteria provided, single submitter. Criteria: LMM Criteria. Collection method: clinical testing. Allele origin: germline. Observed: 1 variant allele.
Comment: The p.Gly1660Arg variant in MYO7A has not been previously reported in individual s with hearing loss or Usher syndrome, but has been identified in 1/8622 East As ian chromosomes by the Exome Aggregation Consortium (ExAC; dbSNP rs771889662). Computational prediction tools and conservation a nalysis suggest that this variant may impact the protein, though this informatio n is not predictive enough to determine pathogenicity. In summary, the clinical significance of the p.Gly1660Arg variant is uncertain.

Natera, Inc.
Classification: Uncertain significance for Usher syndrome type 1B. Last evaluated: 2019-11-11. Review status: no assertion criteria provided. Collection method: clinical testing. Allele origin: germline. Not counted in ClinVar's aggregate classification.

Institute of Human Genetics, Univ. Regensburg, Univ. Regensburg
Classification: Likely pathogenic for Retinal dystrophy. Last evaluated: 2018-01-01. Review status: no assertion criteria provided. Criteria: ACMG Guidelines, 2015. Collection method: clinical testing. Allele origin: germline. Affected: yes. Not counted in ClinVar's aggregate classification.

Literature cited by the submitters: PubMed 39462066 (cited by Myriad Genetics, Inc.).